The following is an entry in ClinVar:

ClinVar aggregate classification (germline): Conflicting classifications of pathogenicity. Review status: criteria provided, conflicting classifications (1 of 4 stars). 4 submissions from 4 submitters: Uncertain significance (3); Likely benign (1). Last evaluated 2026-07-08.

Conditions:
SIX5-related disorder. Also called: SIX5-related condition.

Allele frequency attached by ClinVar (database versions not stated): ExAC 0.00015; 1000 Genomes Project 30x 0.00016; gnomAD 0.00017; 1000 Genomes Project 0.00020; TOPMed 0.00020; ESP Exome Variant Server 0.00023; gnomAD exomes 0.00031.

Submissions (4):

PreventionGenetics, part of Exact Sciences
Classification: Uncertain significance for SIX5-related condition. Last evaluated: 2026-07-08. Review status: criteria provided, single submitter. Criteria: ACMG Guidelines, 2015. Collection method: clinical testing. Allele origin: germline.
Comment: The SIX5 c.1933C>T variant is predicted to result in the amino acid substitution p.Pro645Ser. To our knowledge, this variant has not been reported in the literature. This variant is reported in 0.030% of alleles in individuals of European (Non-Finnish) descent in gnomAD. Although we suspect that this variant may be benign, at this time, the clinical significance of this variant is uncertain due to the absence of conclusive functional and genetic evidence.

Labcorp Genetics (formerly Invitae), Labcorp
Classification: Uncertain significance. Last evaluated: 2025-06-20. Review status: criteria provided, single submitter. Criteria: Invitae Variant Classification Sherloc (09022015). Collection method: clinical testing. Allele origin: germline.
Comment: This sequence change replaces proline, which is neutral and non-polar, with serine, which is neutral and polar, at codon 645 of the SIX5 protein (p.Pro645Ser). This variant is present in population databases (rs200053437, gnomAD 0.03%). This variant has not been reported in the literature in individuals affected with SIX5-related conditions. ClinVar contains an entry for this variant (Variation ID: 2057787). Invitae Evidence Modeling of protein sequence and biophysical properties (such as structural, functional, and spatial information, amino acid conservation, physicochemical variation, residue mobility, and thermodynamic stability) indicates that this missense variant is not expected to disrupt SIX5 protein function with a negative predictive value of 80%. In summary, the available evidence is currently insufficient to determine the role of this variant in disease. Therefore, it has been classified as a Variant of Uncertain Significance.

Blueprint Genetics
Classification: Likely benign. Last evaluated: 2024-01-17. Review status: criteria provided, single submitter. Criteria: ACMG Guidelines, 2015. Collection method: clinical testing. Allele origin: germline.

Ambry Genetics
Classification: Uncertain significance. Last evaluated: 2021-10-19. Review status: criteria provided, single submitter. Criteria: Ambry Variant Classification Scheme 2023. Collection method: clinical testing. Allele origin: germline.

NM_175875.5(SIX5):c.1933C>T (p.Pro645Ser)

Gene: SIX5 (SIX homeobox 5; minus strand). Cytogenetic location: 19q13.32.
Variant type: single nucleotide variant.
Coding change: c.1933C>T on transcript NM_175875.5 (MANE Select); coding-DNA position 1933, C replaced by T.
Protein change: p.Pro645Ser; replaces proline 645 with serine.
Molecular consequence: missense variant.
Genome position (GRCh38, 1-based): chr19:45,765,788, G>A on the plus strand (C>T on the coding strand, the complement: SIX5 is on the minus strand). VCF-style: chr19-45765788-G-A. GRCh37 (hg19) VCF-style: chr19-46269046-G-A.
Other names: c.1933C>T (NM_175875.4); short protein forms P645S.
Identifiers: ClinVar variation 2057787 (VCV002057787.7), dbSNP rs200053437, ClinGen allele CA9520475.